The following is an entry in ClinVar:

ClinVar aggregate classification (germline): Uncertain significance (1 of 4 stars; one submission).

Submission:

GeneDx
Classification: Uncertain significance. Last evaluated: 2026-03-06. Review status: criteria provided, single submitter. Criteria: GeneDx Variant Classification Process June 2021. Collection method: clinical testing. Allele origin: germline.
Comment: Reported in a patient with unilateral microtia in published literature (PMID: 28968992); In silico analysis supports that this missense variant has a deleterious effect on protein structure/function; This variant is associated with the following publications: (PMID: 28968992)

NM_057176.3(BSND):c.919C>T (p.Leu307Phe)

Gene: BSND (barttin CLCNK type accessory subunit beta; plus strand). Cytogenetic location: 1p32.3.
Variant type: single nucleotide variant.
Coding change: c.919C>T on transcript NM_057176.3 (MANE Select); coding-DNA position 919, C replaced by T.
Protein change: p.Leu307Phe; replaces leucine 307 with phenylalanine.
Molecular consequence: missense variant.
Genome position (GRCh38, 1-based): chr1:55,008,584, C>T. VCF-style: chr1-55008584-C-T. GRCh37 (hg19) VCF-style: chr1-55474257-C-T.
Other names: c.919C>T (NM_057176.2); short protein forms L307F.
Identifiers: ClinVar variation 4888125 (VCV004888125.1).